The following is an entry in ClinVar:

NM_000448.3(RAG1):c.2487G>T (p.Arg829Ser)

Gene: RAG1 (recombination activating 1; plus strand). Cytogenetic location: 11p12.
Variant type: single nucleotide variant.
Coding change: c.2487G>T on transcript NM_000448.3 (MANE Select); coding-DNA position 2487, G replaced by T.
Protein change: p.Arg829Ser; replaces arginine 829 with serine.
Molecular consequence: missense variant.
Genome position (GRCh38, 1-based): chr11:36,575,791, G>T. VCF-style: chr11-36575791-G-T. GRCh37 (hg19) VCF-style: chr11-36597341-G-T.
Other names: c.2487G>T, p.Arg829Ser (NM_001377277.1, NM_001377278.1, NM_001377279.1 and 1 more transcripts); short protein forms R829S.
Identifiers: ClinVar variation 877627 (VCV000877627.4), dbSNP rs752304188, ClinGen allele CA5950270.

ClinVar aggregate classification (germline): Uncertain significance. Review status: criteria provided, single submitter (1 of 4 stars). 2 submissions from 1 submitter: Uncertain significance (2). Last evaluated 2017-04-27.

Conditions:
Histiocytic medullary reticulosis. Also called: Omenn syndrome; SEVERE COMBINED IMMUNODEFICIENCY WITH HYPEREOSINOPHILIA. Identifiers: Orphanet 39041, MedGen C2700553, MONDO:0011338, OMIM 603554.
Severe combined immunodeficiency, autosomal recessive, T cell-negative, B cell-negative, NK cell-positive. Also called: Severe combined immunodeficiency due to complete RAG1/2 deficiency; SCID, AR, T-cell negative, B-cell negative, NK cell-positive; SCID, T CELL-NEGATIVE, B CELL-NEGATIVE, NK CELL-POSITIVE. Identifiers: Orphanet 331206, MedGen C1832322, MONDO:0011086, OMIM 601457.

Allele frequency attached by ClinVar (database versions not stated): gnomAD exomes 0.00001 and 0.00005; ExAC 0.00004; TOPMed 0.00008.
gnomAD v4.1: 20 of 1,614,110 alleles (0.0012%); highest among the groups gnomAD compares: Admixed American, 0.022%; no homozygotes.

Submissions (2):

Illumina Laboratory Services, Illumina
Classification: Uncertain significance for Histiocytic medullary reticulosis. Last evaluated: 2017-04-27. Review status: criteria provided, single submitter. Criteria: ICSL Variant Classification Criteria 13 December 2019. Collection method: clinical testing. Allele origin: germline.
Comment: This variant was observed as part of a predisposition screen in an ostensibly healthy population. A literature search was performed for the gene, cDNA change, and amino acid change (where applicable). Publications were found based on this search. However, the evidence from the literature, in combination with allele frequency data from public databases where available, was not sufficient to rule this variant in or out of causing disease. Therefore, this variant is classified as a variant of unknown significance.

Illumina Laboratory Services, Illumina
Classification: Uncertain significance for Severe combined immunodeficiency, autosomal recessive, T cell-negative, B cell-negative, NK cell-positive. Last evaluated: 2017-04-27. Review status: criteria provided, single submitter. Criteria: ICSL Variant Classification Criteria 13 December 2019. Collection method: clinical testing. Allele origin: germline.

Literature cited by the submitters: PubMed 17572155; PubMed 25869295; PubMed 16960852.